The following is an entry in ClinVar:

ClinVar aggregate classification (germline): Uncertain significance (1 of 4 stars; one submission).

Submission:

Labcorp Genetics (formerly Invitae), Labcorp
Classification: Uncertain significance. Last evaluated: 2024-10-17. Review status: criteria provided, single submitter. Criteria: Invitae Variant Classification Sherloc (09022015). Collection method: clinical testing. Allele origin: germline.
Comment: This sequence change replaces tyrosine, which is neutral and polar, with histidine, which is basic and polar, at codon 295 of the LOX protein (p.Tyr295His). This variant is not present in population databases (gnomAD no frequency). This variant has not been reported in the literature in individuals affected with LOX-related conditions. Invitae Evidence Modeling of protein sequence and biophysical properties (such as structural, functional, and spatial information, amino acid conservation, physicochemical variation, residue mobility, and thermodynamic stability) has been performed for this missense variant. However, the output from this modeling did not meet the statistical confidence thresholds required to predict the impact of this variant on LOX protein function. In summary, the available evidence is currently insufficient to determine the role of this variant in disease. Therefore, it has been classified as a Variant of Uncertain Significance.

NM_002317.7(LOX):c.883T>C (p.Tyr295His)

Genes: LOX (lysyl oxidase; minus strand), SRFBP1 (serum response factor binding protein 1; plus strand). Cytogenetic location: 5q23.1.
Variant type: single nucleotide variant.
Coding change: c.883T>C on transcript NM_002317.7 (MANE Select); coding-DNA position 883, T replaced by C.
Protein change: p.Tyr295His; replaces tyrosine 295 with histidine.
Molecular consequence: missense variant. On other transcripts: 5 prime UTR variant (1).
Genome position (GRCh38, 1-based): chr5:122,074,165, A>G on the plus strand (T>C on the coding strand, the complement: LOX is on the minus strand). VCF-style: chr5-122074165-A-G. GRCh37 (hg19) VCF-style: chr5-121409860-A-G.
Other names: c.193T>C, p.Tyr65His (NM_001178102.2); c.-9T>C (NM_001317073.1); short protein forms Y65H, Y295H.
Identifiers: ClinVar variation 3721178 (VCV003721178.2).